The following is an entry in ClinVar:

NM_000808.4(GABRA3):c.1422T>G (p.Tyr474Ter)

Gene: GABRA3 (gamma-aminobutyric acid type A receptor subunit alpha3; minus strand). Cytogenetic location: Xq28.
Variant type: single nucleotide variant.
Coding change: c.1422T>G on transcript NM_000808.4 (MANE Select); coding-DNA position 1422, T replaced by G.
Protein change: p.Tyr474Ter; replaces tyrosine 474 with a stop codon.
Molecular consequence: nonsense.
Genome position (GRCh38, 1-based): chrX:152,168,285, A>C on the plus strand (T>G on the coding strand, the complement: GABRA3 is on the minus strand). VCF-style: chrX-152168285-A-C. GRCh37 (hg19) VCF-style: chrX-151336757-A-C.
Other names: short protein forms Y474*.
Identifiers: ClinVar variation 3852444 (VCV003852444.1).

ClinVar aggregate classification (germline): Uncertain significance (1 of 4 stars; one submission).

Conditions:
Inborn genetic diseases. Identifiers: MedGen C0950123, MeSH D030342.

Submission:

Ambry Genetics
Classification: Uncertain significance for Inborn genetic diseases. Last evaluated: 2024-12-11. Review status: criteria provided, single submitter. Criteria: Ambry Variant Classification Scheme 2023. Collection method: clinical testing. Allele origin: germline.
Comment: Loss of function has not been established as a mechanism of disease Based on insufficient or conflicting evidence, the clinical significance of this alteration remains unclear.